The following is an entry in ClinVar:

NM_014425.5(INVS):c.1396G>A (p.Gly466Arg)

Gene: INVS (inversin; plus strand). Cytogenetic location: 9q31.1.
Variant type: single nucleotide variant.
Coding change: c.1396G>A on transcript NM_014425.5 (MANE Select); coding-DNA position 1396, G replaced by A.
Protein change: p.Gly466Arg; replaces glycine 466 with arginine.
Molecular consequence: missense variant. On other transcripts: non-coding transcript variant (1).
Genome position (GRCh38, 1-based): chr9:100,253,068, G>A. VCF-style: chr9-100253068-G-A. GRCh37 (hg19) VCF-style: chr9-103015350-G-A.
Other names: c.1108G>A, p.Gly370Arg (NM_001318381.2); c.418G>A, p.Gly140Arg (NM_001318382.2); short protein forms G466R, G140R, G370R.
Identifiers: ClinVar variation 462709 (VCV000462709.8), dbSNP rs1554726564, ClinGen allele CA374364949.
Genomic context (GRCh38, chr9:100,253,068, plus strand): 5'-AAGATCAATCCAAATGTCCAGGATTATGCAGGAAGAACCCCTTTGCAGTGTGCAGCATAT[G>A]GAGGCTATATCAACTGCATGGCAGTTCTCATGGAAAACAATGCAGACCCTAACATTCAAG-3'
Protein context (NP_055240.2, residues 456-476): GRTPLQCAAY[Gly466Arg]GYINCMAVLM

ClinVar aggregate classification (germline): Uncertain significance (1 of 4 stars; one submission).

Conditions:
Nephronophthisis. Also called: Juvenile Nephronophthisis. Identifiers: Orphanet 655, MedGen C0687120, MONDO:0019005, HP:0000090.

Submission:

Labcorp Genetics (formerly Invitae), Labcorp
Classification: Uncertain significance for Nephronophthisis. Last evaluated: 2022-07-19. Review status: criteria provided, single submitter. Criteria: Invitae Variant Classification Sherloc (09022015). Collection method: clinical testing. Allele origin: germline.
Comment: In summary, the available evidence is currently insufficient to determine the role of this variant in disease. Therefore, it has been classified as a Variant of Uncertain Significance. Algorithms developed to predict the effect of missense changes on protein structure and function (SIFT, PolyPhen-2, Align-GVGD) all suggest that this variant is likely to be disruptive. ClinVar contains an entry for this variant (Variation ID: 462709). This variant has not been reported in the literature in individuals affected with INVS-related conditions. This variant is not present in population databases (gnomAD no frequency). This sequence change replaces glycine, which is neutral and non-polar, with arginine, which is basic and polar, at codon 466 of the INVS protein (p.Gly466Arg).